The following is an entry in ClinVar:

ClinVar aggregate classification (germline): Uncertain significance (1 of 4 stars; one submission).

Conditions:
Combined immunodeficiency due to STIM1 deficiency. Also called: IMMUNODEFICIENCY 10; STIM1 DEFICIENCY. Identifiers: Orphanet 169090, Orphanet 317430, MedGen C2748557, MONDO:0013008, OMIM 612783.
Myopathy with tubular aggregates (TAM). Also called: Tubular Aggregate Myopathy. Identifiers: Orphanet 2593, MedGen C0410207, MONDO:0008051.
Stormorken syndrome (STRMK). Also called: THROMBOCYTOPATHY, ASPLENIA, AND MIOSIS. Identifiers: Orphanet 3204, MedGen C1861451, MONDO:0008497, OMIM 185070.

Submission:

Labcorp Genetics (formerly Invitae), Labcorp
Classification: Uncertain significance for Myopathy with tubular aggregates; Combined immunodeficiency due to STIM1 deficiency; Stormorken syndrome. Last evaluated: 2022-07-26. Review status: criteria provided, single submitter. Criteria: Invitae Variant Classification Sherloc (09022015). Collection method: clinical testing. Allele origin: germline.
Comment: In summary, the available evidence is currently insufficient to determine the role of this variant in disease. Therefore, it has been classified as a Variant of Uncertain Significance. Experimental studies and prediction algorithms are not available or were not evaluated, and the functional significance of this variant is currently unknown. This variant has not been reported in the literature in individuals affected with STIM1-related conditions. This variant is present in population databases (rs754674804, gnomAD 0.0009%). This variant, c.1613_1615del, results in the deletion of 1 amino acid(s) of the STIM1 protein (p.Pro538del), but otherwise preserves the integrity of the reading frame.

NM_001382567.1(STIM1):c.1703CTC[1] (p.Pro569del)

Gene: STIM1 (stromal interaction molecule 1; plus strand). Cytogenetic location: 11p15.4.
Variant type: Microsatellite.
Coding change: c.1703CTC[1] on transcript NM_001382567.1 (MANE Select); one copy of the 3-base unit CTC starting at c.1703; the reference has two copies in a row; one copy, 3 bases deleted.
Protein change: p.Pro569del; deletes proline 569.
Molecular consequence: inframe deletion. On other transcripts: 3 prime UTR variant (4), non-coding transcript variant (3).
Genome position (GRCh38, 1-based): chr11:4,091,353-4,091,355, CTC deleted; deleting any 3 consecutive bases within chr11:4,091,349-4,091,355 gives the same sequence; the position shown is the placement nearest the transcript's 3' end. VCF-style (leftmost placement, unchanged base first): chr11-4091348-ACCT-A. GRCh37 (hg19) VCF-style: chr11-4112578-ACCT-A.
Other names: c.1631CTC[1], p.Pro545del (NM_001382568.1); c.1475CTC[1], p.Pro493del (NM_001382569.1); c.1382CTC[1], p.Pro462del (NM_001382570.1); c.1130CTC[1], p.Pro378del (NM_001382571.1); c.1388CTC[1], p.Pro464del (NM_001382575.1, NM_001382576.1, NM_001382577.1); c.*24CTC[1] (NM_001382578.1, NM_001382579.1, NM_001382580.1 and 1 more transcripts); c.1121CTC[1], p.Pro375del (NM_001382581.1); c.1610CTC[1], p.Pro538del (NM_003156.4); and 2 more; short protein forms P375del, P378del, P462del, P464del, P493del, P538del, P545del, P569del.
Identifiers: ClinVar variation 1010165 (VCV001010165.11), dbSNP rs754674804, ClinGen allele CA5830593.